The following is an entry in ClinVar:

ClinVar aggregate classification (germline): Uncertain significance. Review status: criteria provided, multiple submitters, no conflicts (2 of 4 stars). 4 submissions from 4 submitters: Uncertain significance (3). 1 of the submissions does not count toward it. Last evaluated 2025-04-14.

Conditions:
Inborn genetic diseases. Identifiers: MedGen C0950123, MeSH D030342.
Biotinidase deficiency. Also called: BTD deficiency; Late-onset biotin-responsive multiple carboxylase deficiency; Biotin deficiency. Identifiers: Orphanet 79241, MedGen C0220754, MONDO:0009665, OMIM 253260.

Allele frequency attached by ClinVar (database versions not stated): gnomAD 0.00001; TOPMed 0.00001.
gnomAD v4.1: 2 of 1,614,050 alleles (0.00012%); highest among the groups gnomAD compares: Non-Finnish European, 0.00017%; no homozygotes.

Submissions (4):

Ambry Genetics
Classification: Uncertain significance for Inborn genetic diseases. Last evaluated: 2025-04-14. Review status: criteria provided, single submitter. Criteria: Ambry Variant Classification Scheme 2023. Collection method: clinical testing. Allele origin: germline.

Labcorp Genetics (formerly Invitae), Labcorp
Classification: Uncertain significance for Biotinidase deficiency. Last evaluated: 2021-09-08. Review status: criteria provided, single submitter. Criteria: Invitae Variant Classification Sherloc (09022015). Collection method: clinical testing. Allele origin: germline.
Comment: This sequence change replaces aspartic acid with alanine at codon 368 of the BTD protein (p.Asp368Ala). The aspartic acid residue is moderately conserved and there is a moderate physicochemical difference between aspartic acid and alanine. This variant is not present in population databases (ExAC no frequency). This variant has not been reported in the literature in individuals affected with BTD-related conditions. ClinVar contains an entry for this variant (Variation ID: 343909). Algorithms developed to predict the effect of missense changes on protein structure and function are either unavailable or do not agree on the potential impact of this missense change (SIFT: "Deleterious"; PolyPhen-2: "Benign"; Align-GVGD: "Class C0"). In summary, the available evidence is currently insufficient to determine the role of this variant in disease. Therefore, it has been classified as a Variant of Uncertain Significance.

GeneDx
Classification: Uncertain significance. Last evaluated: 2017-01-30. Review status: criteria provided, single submitter. Criteria: GeneDx Variant Classification (06012015). Collection method: clinical testing. Allele origin: germline. Affected: yes.
Comment: The D368A variant has not been published as a pathogenic variant, nor has it been reported as a benign variant to our knowledge. The D368A variant is not observed in large population cohorts (Lek et al., 2016; 1000 Genomes Consortium et al., 2015; Exome Variant Server). The D368A variant is a non-conservative amino acid substitution, which is likely to impact secondary protein structure as these residues differ in polarity, charge, size and/or other properties. However, this substitution occurs at a position that is not conserved, and in silico analysis predicts this variant likely does not alter the protein structure/function. Therefore, based on the currently available information, it is unclear whether this variant is a pathogenic variant or a rare benign variant.

Natera, Inc.
Classification: Uncertain significance for Biotinidase deficiency. Last evaluated: 2020-08-29. Review status: no assertion criteria provided. Collection method: clinical testing. Allele origin: germline. Not counted in ClinVar's aggregate classification.

NM_001370658.1(BTD):c.1043A>C (p.Asp348Ala)

Gene: BTD (biotinidase; plus strand). Cytogenetic location: 3p25.1.
Variant type: single nucleotide variant.
Coding change: c.1043A>C on transcript NM_001370658.1 (MANE Select); coding-DNA position 1043, A replaced by C.
Protein change: p.Asp348Ala; replaces aspartic acid 348 with alanine.
Molecular consequence: missense variant. On other transcripts: intron variant (2).
Genome position (GRCh38, 1-based): chr3:15,644,959, A>C. VCF-style: chr3-15644959-A-C. GRCh37 (hg19) VCF-style: chr3-15686466-A-C.
Other names: c.1043A>C, p.Asp348Ala (NM_001407376.1, NM_001407377.1, NM_001407378.1 and 16 more transcripts); c.1015+28A>C (NM_001370752.1); c.1103A>C, p.Asp368Ala (NM_000060.4); c.399+2902A>C (NM_001370753.1); short protein forms D348A.
Identifiers: ClinVar variation 343909 (VCV000343909.16), dbSNP rs886058115, ClinGen allele CA10615137.